The following is an entry in ClinVar:

NM_013444.4(UBQLN2):c.1661G>T (p.Gly554Val)

Gene: UBQLN2 (ubiquilin 2; plus strand). Cytogenetic location: Xp11.21.
Variant type: single nucleotide variant.
Coding change: c.1661G>T on transcript NM_013444.4 (MANE Select); coding-DNA position 1661, G replaced by T.
Protein change: p.Gly554Val; replaces glycine 554 with valine.
Molecular consequence: missense variant.
Genome position (GRCh38, 1-based): chrX:56,565,534, G>T. VCF-style: chrX-56565534-G-T. GRCh37 (hg19) VCF-style: chrX-56591967-G-T.
Other names: short protein forms G554V.
Identifiers: ClinVar variation 4693151 (VCV004693151.2).
Genomic context (GRCh38, chrX:56,565,534, plus strand): 5'-CGGGGCCTACTGTGTCCAGCGCTGCACCTAGTGAAACCACGAGTCCTACATCAGAATCTG[G>T]ACCCAACCAGCAGTTCATTCAGCAAATGGTGCAGGCCCTGGCTGGAGCAAATGCTCCACA-3'
Protein context (NP_038472.2, residues 544-564): SETTSPTSES[Gly554Val]PNQQFIQQMV

ClinVar aggregate classification (germline): Uncertain significance. Review status: criteria provided, multiple submitters, no conflicts (2 of 4 stars). 2 submissions from 2 submitters: Uncertain significance (2). Last evaluated 2026-04-10.

Conditions:
Amyotrophic lateral sclerosis type 15. Also called: AMYOTROPHIC LATERAL SCLEROSIS 15 WITH FRONTOTEMPORAL DEMENTIA. Identifiers: Orphanet 803, MedGen C3275459, MONDO:0010459, OMIM 300857.

Submissions (2):

Women's Health and Genetics/Laboratory Corporation of America, LabCorp
Classification: Uncertain significance. Last evaluated: 2026-04-10. Review status: criteria provided, single submitter. Criteria: LabCorp Variant Classification Summary - May 2015. Collection method: clinical testing. Allele origin: germline.
Comment: Variant summary: UBQLN2 c.1661G>T (p.Gly554Val) results in a non-conservative amino acid change in the encoded protein sequence. Algorithms developed to predict the effect of missense changes on protein structure and function are either unavailable or do not agree on the potential impact of this missense change. The variant was absent in 179071 control chromosomes. The available data on variant occurrences in the general population are insufficient to allow any conclusion about variant significance. To our knowledge, no occurrence of c.1661G>T in individuals affected with UBQLN2-related conditions and no experimental evidence demonstrating its impact on protein function have been reported. ClinVar contains an entry for this variant (Variation ID: 4693151). Based on the evidence outlined above, the variant was classified as uncertain significance.

Labcorp Genetics (formerly Invitae), Labcorp
Classification: Uncertain significance for Amyotrophic lateral sclerosis type 15. Last evaluated: 2025-10-01. Review status: criteria provided, single submitter. Criteria: Invitae Variant Classification Sherloc (09022015). Collection method: clinical testing. Allele origin: germline.
Comment: This sequence change replaces glycine, which is neutral and non-polar, with valine, which is neutral and non-polar, at codon 554 of the UBQLN2 protein (p.Gly554Val). This variant is not present in population databases (gnomAD no frequency). This variant has not been reported in the literature in individuals affected with UBQLN2-related conditions. Invitae Evidence Modeling of protein sequence and biophysical properties (such as structural, functional, and spatial information, amino acid conservation, physicochemical variation, residue mobility, and thermodynamic stability) indicates that this missense variant is not expected to disrupt UBQLN2 protein function with a negative predictive value of 80%. In summary, the available evidence is currently insufficient to determine the role of this variant in disease. Therefore, it has been classified as a Variant of Uncertain Significance.